The following is an entry in ClinVar:

NM_000092.5(COL4A4):c.2437G>A (p.Gly813Arg)

Gene: COL4A4 (collagen type IV alpha 4 chain; minus strand). Cytogenetic location: 2q36.3.
Variant type: single nucleotide variant.
Coding change: c.2437G>A on transcript NM_000092.5 (MANE Select); coding-DNA position 2437, G replaced by A.
Protein change: p.Gly813Arg; replaces glycine 813 with arginine.
Molecular consequence: missense variant.
Genome position (GRCh38, 1-based): chr2:227,057,547, C>T on the plus strand (G>A on the coding strand, the complement: COL4A4 is on the minus strand). VCF-style: chr2-227057547-C-T. GRCh37 (hg19) VCF-style: chr2-227922263-C-T.
Other names: short protein forms G813R.
Identifiers: ClinVar variation 3376632 (VCV003376632.1).

ClinVar aggregate classification (germline): Likely pathogenic (1 of 4 stars; one submission).

Conditions:
Alport syndrome. Also called: Hemorrhagic familial nephritis; Hemorrhagic hereditary nephritis; Congenital hereditary hematuria. Identifiers: Orphanet 63, MedGen C1567741, MONDO:0018965.

gnomAD v4.1: 1 of 1,614,074 alleles (0.000062%); highest among the groups gnomAD compares: Non-Finnish European, 0.000085%; no homozygotes.

Submission:

Victorian Clinical Genetics Services, Murdoch Childrens Research Institute
Classification: Likely pathogenic for Alport syndrome. Last evaluated: 2022-09-02. Review status: criteria provided, single submitter. Criteria: ACMG Guidelines, 2015. Collection method: clinical testing. Allele origin: germline. Affected: yes.
Comment: Based on the classification scheme VCGS_Germline_v1.3.4, this variant is classified as Likely pathogenic. Following criteria are met: 0103 - Loss of function is a known mechanism of disease for this gene and is associated with Alport syndrome (MONDO:0018965). Dominant negative is a suspected mechanism of disease for this gene as it is a structural protein (PMIDs: 12028435, 24046192). (I) 0108 - This gene is associated with both recessive and dominant disease. Alport syndrome typically has biallelic inheritance, although rare cases of monoallelic inheritance have been reported (PMID: 28704582). Thin basement membrane nephropathy (TBMN) and focal segmental glomerulosclerosis (FSGS) are associated with autosomal dominant inheritance (OMIM, PMIDs: 16467446, 17942953). (I) 0200 - Variant is predicted to result in a missense amino acid change from glycine to arginine. (I) 0251 - This variant is heterozygous. (I) 0301 - Variant is absent from gnomAD (both v2 and v3). (SP) 0501 - Missense variant consistently predicted to be damaging by multiple in silico tools or highly conserved with a major amino acid change. (SP) 0601 - Variant is located in the well-established functional triple helical region. It affects the Gly of Gly-X-Y repeat (DECIPHER, Uniprot). (SP) 0704 - Another missense variant comparable to the one identified in this case has limited previous evidence for pathogenicity. The p.(Gly813Glu) variant has been classified as likely pathogenic by a clinical laboratory in ClinVar. (SP) 0803 - This variant has limited previous evidence of pathogenicity in an unrelated individual. This variant has been reported as compound heterozygous with the p.(Gly68Glu) variant in an individual with autosomal recessive Alport syndrome. p.(Gly813Arg) was shown to be paternally inherited from the individual's father who had a urinary finding (PMID: 35369551). (SP) 0905 - No published segregation evidence has been identified for this variant. (I) 1007 - No published functional evidence has been identified for this variant. (I) 1208 - Inheritance information for this variant is not currently available in this individual. (I) Legend: (SP) - Supporting pathogenic, (I) - Information, (SB) - Supporting benign

Literature cited by the submitters: PubMed 12028435; PubMed 16467446; PubMed 17942953; PubMed 24046192; PubMed 28704582; PubMed 35369551.